The following is an entry in ClinVar:

ClinVar aggregate classification (germline): Uncertain significance (1 of 4 stars; one submission).

Submissions (2):

Labcorp Genetics (formerly Invitae), Labcorp
Classification: Uncertain significance. Last evaluated: 2024-05-04. Review status: criteria provided, single submitter. Criteria: Invitae Variant Classification Sherloc (09022015). Collection method: clinical testing. Allele origin: germline.
Comment: This sequence change replaces glycine, which is neutral and non-polar, with valine, which is neutral and non-polar, at codon 104 of the NYX protein (p.Gly104Val). This variant is not present in population databases (gnomAD no frequency). This variant has not been reported in the literature in individuals affected with NYX-related conditions. Advanced modeling of protein sequence and biophysical properties (such as structural, functional, and spatial information, amino acid conservation, physicochemical variation, residue mobility, and thermodynamic stability) has been performed at Invitae for this missense variant, however the output from this modeling did not meet the statistical confidence thresholds required to predict the impact of this variant on NYX protein function. In summary, the available evidence is currently insufficient to determine the role of this variant in disease. Therefore, it has been classified as a Variant of Uncertain Significance.

Dr. Peter K. Rogan Lab, Western University
No classification provided (evidence only). Condition: Uterine corpus endometrial carcinoma. Review status: no classification provided. Collection method: in vitro. Allele origin: not applicable. Functional consequence: retained intron. Not counted in ClinVar's aggregate classification.

NM_001378477.3(NYX):c.296G>T (p.Gly99Val)

Gene: NYX (nyctalopin; plus strand). Cytogenetic location: Xp11.4.
Variant type: single nucleotide variant.
Coding change: c.296G>T on transcript NM_001378477.3 (MANE Select); coding-DNA position 296, G replaced by T.
Protein change: p.Gly99Val; replaces glycine 99 with valine.
Molecular consequence: missense variant.
Genome position (GRCh38, 1-based): chrX:41,473,764, G>T. VCF-style: chrX-41473764-G-T. GRCh37 (hg19) VCF-style: chrX-41333017-G-T.
Other names: c.296G>T, p.Gly99Val (NM_022567.3); short protein forms G99V.
Identifiers: ClinVar variation 3652163 (VCV003652163.3).
Genomic context (GRCh38, chrX:41,473,764, plus strand): 5'-CGCTGCCGTCCTTGCGCCGCCTGTCGCTGCGCCACAACAACCTGTCCTTCATCACGCCCG[G>T]CGCCTTCAAGGGCCTGCCGCGCCTGGCTGAGCTGCGCCTGGCGCACAACGGCGACCTGCG-3'
Protein context (NP_001365406.2, residues 89-109): RHNNLSFITP[Gly99Val]AFKGLPRLAE